The following is an entry in ClinVar:

ClinVar aggregate classification (germline): Uncertain significance (1 of 4 stars; one submission).

Conditions:
Retinitis pigmentosa 20 (RP20). Identifiers: Orphanet 791, MedGen C3151086, MONDO:0013425, OMIM 613794.

Submission:

Ocular Genomics Institute, Massachusetts Eye and Ear
Classification: Uncertain significance for Retinitis pigmentosa 20. Last evaluated: 2021-04-08. Review status: criteria provided, single submitter. Criteria: ACMG Guidelines, 2015. Collection method: research. Allele origin: germline. Affected: yes.
Comment: Through a review of available evidence we were able to apply the following criteria: PM2. Based on this evidence we have classified this variant as Variant of Uncertain Significance.

NM_000329.3(RPE65):c.1348C>G (p.Leu450Val)

Gene: RPE65 (retinoid isomerohydrolase RPE65; minus strand). Cytogenetic location: 1p31.3.
Variant type: single nucleotide variant.
Coding change: c.1348C>G on transcript NM_000329.3 (MANE Select); coding-DNA position 1348, C replaced by G.
Protein change: p.Leu450Val; replaces leucine 450 with valine.
Molecular consequence: missense variant.
Genome position (GRCh38, 1-based): chr1:68,431,167, G>C on the plus strand (C>G on the coding strand, the complement: RPE65 is on the minus strand). VCF-style: chr1-68431167-G-C. GRCh37 (hg19) VCF-style: chr1-68896850-G-C.
Other names: short protein forms L450V.
Identifiers: ClinVar variation 1065765 (VCV001065765.1), dbSNP rs2100807072, ClinGen allele CA340742276.